The following is an entry in ClinVar:

Single allele

Genes: DIAPH1 (diaphanous related formin 1; minus strand), LOC129994866 (ATAC-STARR-seq lymphoblastoid active region 23307; plus strand), LOC129994867 (ATAC-STARR-seq lymphoblastoid active region 23308; plus strand). Cytogenetic location: 5q31.3.
Variant type: Deletion.
Identifiers: ClinVar variation 1679561 (VCV001679561.1).

ClinVar aggregate classification (germline): Likely pathogenic (1 of 4 stars; one submission).

Conditions:
Progressive microcephaly-seizures-cortical blindness-developmental delay syndrome. Also called: Seizures, cortical blindness, and microcephaly syndrome. Identifiers: Orphanet 477814, MedGen C5567650, MONDO:0014714, OMIM 616632.

Submission:

New York Genome Center
Classification: Likely pathogenic for Progressive microcephaly-seizures-cortical blindness-developmental delay syndrome. Last evaluated: 2021-05-21. Review status: criteria provided, single submitter. Criteria: NYGC Assertion Criteria 2020. Collection method: clinical testing. Allele origin: inherited. Observed: 1 homozygote. Study: CSER-NYCKidSeq.
Comment: The chr5:g.141572725_141615700del variant is a homozygous copy loss of coding exons 2-16 (total 28) as well as the 5’ and 3’ flanking intronic sequences and is present in one of the larger regions of homozygosity, as seen in the microarray data. The deleted exons (except one exon) are present in all the Refseq transcripts of DIAPH1. The variant is absent from gnomAD and DGV, suggesting it is not a common benign variant in the populations represented in these databases. This variant is not present in ClinVar, and to our current knowledge has not been identified in any affected individuals in the literature, however, other bi-allelic loss of function variants in DIAPH1 have been described in affected individuals with seizures, cortical blindness, microcephaly syndrome [MIM 616632; 2,3]. Given the predicted deleterious nature of this homozygous multi-exon deletion and its absence in population databases, the chr5:g.141572725_141615700del identified is reported as Likely Pathogenic.